The following is an entry in ClinVar:

ClinVar aggregate classification (germline): Likely benign. Review status: criteria provided, multiple submitters, no conflicts (2 of 4 stars). 5 submissions from 5 submitters: Likely benign (5). Last evaluated 2025-10-07.

Conditions:
Cardiovascular phenotype. Identifiers: MedGen CN230736.
Cardiomyopathy (CMYO). Also called: Cardiomyopathies. Identifiers: Orphanet 167848, MedGen C0878544, MONDO:0004994, HP:0001638. Inheritance: Various modes of inheritance.
Arrhythmogenic right ventricular dysplasia 10. Also called: ARRHYTHMOGENIC RIGHT VENTRICULAR DYSPLASIA, FAMILIAL, 10; Arrhythmogenic right ventricular dysplasia/cardiomyopathy, type 10; Arrhythmogenic Right Ventricular Dysplasia/Cardiomyopathy10. Identifiers: MedGen C1857777, MONDO:0012434, OMIM 610193.

Allele frequency attached by ClinVar (database versions not stated): gnomAD exomes 0.00003 and 0.00007; gnomAD 0.00004 and 0.00005; TOPMed 0.00006; ExAC 0.00007; 1000 Genomes Project 0.00020; 1000 Genomes Project 30x 0.00062.

Submissions (5):

Labcorp Genetics (formerly Invitae), Labcorp
Classification: Likely benign for Arrhythmogenic right ventricular dysplasia 10. Last evaluated: 2025-10-07. Review status: criteria provided, single submitter. Criteria: Invitae Variant Classification Sherloc (09022015). Collection method: clinical testing. Allele origin: germline.

Women's Health and Genetics/Laboratory Corporation of America, LabCorp
Classification: Likely benign. Last evaluated: 2024-07-30. Review status: criteria provided, single submitter. Criteria: LabCorp Variant Classification Summary - May 2015. Collection method: clinical testing. Allele origin: germline.
Comment: Variant summary: DSG2 c.3118G>A (p.Val1040Ile) results in a conservative amino acid change in the encoded protein sequence. Five of five in-silico tools predict a benign effect of the variant on protein function. The variant allele was found at a frequency of 7.2e-05 in 249444 control chromosomes, predominantly at a frequency of 0.001 within the East Asian subpopulation in the gnomAD database. The observed variant frequency within East Asian control individuals in the gnomAD database is approximately 4 fold of the estimated maximal expected allele frequency for a pathogenic variant in DSG2 causing Arrhythmogenic Right Ventricular Dysplasia/Cardiomyopathy phenotype (0.00025). c.3118G>A has been reported in the literature in individuals affected with Arrhythmogenic Right Ventricular Dysplasia/Cardiomyopathy or sudden unexplained death (Wada_2017, Hata_2017). These report(s) do not provide unequivocal conclusions about association of the variant with Arrhythmogenic Right Ventricular Dysplasia/Cardiomyopathy. To our knowledge, no experimental evidence demonstrating an impact on protein function has been reported. The following publications have been ascertained in the context of this evaluation (PMID: 27135274, 29178656). ClinVar contains an entry for this variant (Variation ID: 199794). Based on the evidence outlined above, the variant was classified as likely benign.

Ambry Genetics
Classification: Likely benign for Cardiovascular phenotype. Last evaluated: 2023-06-14. Review status: criteria provided, single submitter. Criteria: Ambry Variant Classification Scheme 2023. Collection method: clinical testing. Allele origin: germline.

GeneDx
Classification: Likely benign. Last evaluated: 2020-02-27. Review status: criteria provided, single submitter. Criteria: GeneDx Variant Classification Process June 2021. Collection method: clinical testing. Allele origin: germline. Affected: yes.

Color Diagnostics, LLC DBA Color Health
Classification: Likely benign for Cardiomyopathy. Last evaluated: 2019-11-19. Review status: criteria provided, single submitter. Criteria: ACMG Guidelines, 2015. Collection method: clinical testing. Allele origin: germline.

Literature cited by the submitters: PubMed 27135274 (cited by Women's Health and Genetics/Laboratory Corporation of America, LabCorp and Ambry Genetics); PubMed 29178656 (cited by Women's Health and Genetics/Laboratory Corporation of America, LabCorp and Ambry Genetics).

NM_001943.5(DSG2):c.3118G>A (p.Val1040Ile)

Genes: DSG2 (desmoglein 2; plus strand), DSG2-AS1 (DSG2 antisense RNA 1; minus strand). Cytogenetic location: 18q12.1.
Variant type: single nucleotide variant.
Coding change: c.3118G>A on transcript NM_001943.5 (MANE Select); coding-DNA position 3118, G replaced by A.
Protein change: p.Val1040Ile; replaces valine 1040 with isoleucine.
Molecular consequence: missense variant.
Genome position (GRCh38, 1-based): chr18:31,546,504, G>A. VCF-style: chr18-31546504-G-A. GRCh37 (hg19) VCF-style: chr18-29126467-G-A.
Other names: p.V1040I:GTA>ATA; c.3118G>A (LRG_397t1); short protein forms V1040I.
Identifiers: ClinVar variation 199794 (VCV000199794.13), dbSNP rs201966605, ClinGen allele CA021979.
Genomic context (GRCh38, chr18:31,546,504, plus strand): 5'-GAGAGCTTCCTTGCCCCCAGCTCAGGTGTGCAGCCTACTCTGGCCATGCCTAATATAGCA[G>A]TAGGACAGAATGTGACAGTGACAGAAAGAGTTCTAGCACCTGCTTCCACTCTGCAATCCA-3'
Protein context (NP_001934.2, residues 1030-1050): QPTLAMPNIA[Val1040Ile]GQNVTVTERV